The following is an entry in ClinVar:

NM_001378418.1(TCF20):c.936GCA[7] (p.Gln317_Pro318insGlnGln)

Gene: TCF20 (transcription factor 20; minus strand). Cytogenetic location: 22q13.2.
Variant type: Microsatellite.
Coding change: c.936GCA[7] on transcript NM_001378418.1 (MANE Select); seven copies in a row of the 3-base unit GCA starting at c.936; the reference has five copies in a row; two copies, 6 bases duplicated.
Protein change: p.Gln317_Pro318insGlnGln.
Molecular consequence: inframe insertion.
Genome position (GRCh38, 1-based): chr22:42,214,356-42,214,361, TGCTGC duplicated on the plus strand (GCAGCA on the coding strand, the reverse complement: TCF20 is on the minus strand); duplicating any 6 consecutive bases within chr22:42,214,356-42,214,370 gives the same sequence; the position shown is the placement nearest the transcript's 3' end. VCF-style (leftmost placement, unchanged base first): chr22-42214355-T-TTGCTGC. GRCh37 (hg19) VCF-style: chr22-42610361-T-TTGCTGC.
Other names: c.936GCA[7], p.Gln317_Pro318insGlnGln (NM_005650.4, NM_181492.3).
Identifiers: ClinVar variation 3623242 (VCV003623242.2).

ClinVar aggregate classification (germline): Uncertain significance (1 of 4 stars; one submission).

Submission:

Labcorp Genetics (formerly Invitae), Labcorp
Classification: Uncertain significance. Last evaluated: 2024-10-16. Review status: criteria provided, single submitter. Criteria: Invitae Variant Classification Sherloc (09022015). Collection method: clinical testing. Allele origin: germline.
Comment: This variant, c.945_950dup, results in the insertion of 2 amino acid(s) of the TCF20 protein (p.Gln316_Gln317dup), but otherwise preserves the integrity of the reading frame. This variant is present in population databases (rs773951212, gnomAD 0.003%). This variant has not been reported in the literature in individuals affected with TCF20-related conditions. In summary, the available evidence is currently insufficient to determine the role of this variant in disease. Therefore, it has been classified as a Variant of Uncertain Significance.